The following is an entry in ClinVar:

NM_199242.3(UNC13D):c.3142G>A (p.Ala1048Thr)

Gene: UNC13D (unc-13 homolog D; minus strand). Cytogenetic location: 17q25.1.
Variant type: single nucleotide variant.
Coding change: c.3142G>A on transcript NM_199242.3 (MANE Select); coding-DNA position 3142, G replaced by A.
Protein change: p.Ala1048Thr; replaces alanine 1048 with threonine.
Molecular consequence: missense variant.
Genome position (GRCh38, 1-based): chr17:75,828,796, C>T on the plus strand (G>A on the coding strand, the complement: UNC13D is on the minus strand). VCF-style: chr17-75828796-C-T. GRCh37 (hg19) VCF-style: chr17-73824877-C-T.
Other names: short protein forms A1048T.
Identifiers: ClinVar variation 533097 (VCV000533097.6), dbSNP rs758781229, ClinGen allele CA8772264.

ClinVar aggregate classification (germline): Uncertain significance. Review status: criteria provided, multiple submitters, no conflicts (2 of 4 stars). 2 submissions from 2 submitters: Uncertain significance (2). Last evaluated 2024-09-10.

Conditions:
Inborn genetic diseases. Identifiers: MedGen C0950123, MeSH D030342.
Familial hemophagocytic lymphohistiocytosis 3 (FHL3). Also called: UNC13D-Related Familial Hemophagocytic Lymphohistiocytosis (UNC13D-fHLH). Identifiers: Orphanet 540, MedGen C1837174, MONDO:0012146, OMIM 608898.

Allele frequency attached by ClinVar (database versions not stated): gnomAD 0.00003; TOPMed 0.00005; gnomAD exomes 0.00008; ExAC 0.00023.
gnomAD v4.1: 70 of 1,544,820 alleles (0.0045%); highest among the groups gnomAD compares: Middle Eastern, 0.082%; no homozygotes.

Submissions (2):

Ambry Genetics
Classification: Uncertain significance for Inborn genetic diseases. Last evaluated: 2024-09-10. Review status: criteria provided, single submitter. Criteria: Ambry Variant Classification Scheme 2023. Collection method: clinical testing. Allele origin: germline.

Labcorp Genetics (formerly Invitae), Labcorp
Classification: Uncertain significance for Familial hemophagocytic lymphohistiocytosis 3. Last evaluated: 2024-01-22. Review status: criteria provided, single submitter. Criteria: Invitae Variant Classification Sherloc (09022015). Collection method: clinical testing. Allele origin: germline.
Comment: This sequence change replaces alanine with threonine at codon 1048 of the UNC13D protein (p.Ala1048Thr). The alanine residue is weakly conserved and there is a small physicochemical difference between alanine and threonine. The frequency data for this variant in the population databases is considered unreliable, as metrics indicate poor data quality at this position in the gnomAD database. This variant has not been reported in the literature in individuals affected with UNC13D-related conditions. ClinVar contains an entry for this variant (Variation ID: 533097). Advanced modeling of protein sequence and biophysical properties (such as structural, functional, and spatial information, amino acid conservation, physicochemical variation, residue mobility, and thermodynamic stability) performed at Invitae indicates that this missense variant is not expected to disrupt UNC13D protein function with a negative predictive value of 80%. In summary, the available evidence is currently insufficient to determine the role of this variant in disease. Therefore, it has been classified as a Variant of Uncertain Significance.